The following is an entry in ClinVar:

NM_002439.5(MSH3):c.1402G>A (p.Ala468Thr)

Gene: MSH3 (mutS homolog 3; plus strand). Cytogenetic location: 5q14.1.
Variant type: single nucleotide variant.
Coding change: c.1402G>A on transcript NM_002439.5 (MANE Select); coding-DNA position 1402, G replaced by A.
Protein change: p.Ala468Thr; replaces alanine 468 with threonine.
Molecular consequence: missense variant.
Genome position (GRCh38, 1-based): chr5:80,725,514, G>A. VCF-style: chr5-80725514-G-A. GRCh37 (hg19) VCF-style: chr5-80021333-G-A.
Other names: short protein forms A468T.
Identifiers: ClinVar variation 1771844 (VCV001771844.8), dbSNP rs2546753016, ClinGen allele CA360273563.

ClinVar aggregate classification (germline): Uncertain significance. Review status: criteria provided, multiple submitters, no conflicts (2 of 4 stars). 2 submissions from 2 submitters: Uncertain significance (2). Last evaluated 2025-12-18.

Conditions:
Hereditary cancer-predisposing syndrome. Also called: Tumor predisposition; Hereditary Cancer Syndrome; Hereditary neoplastic syndrome; Neoplastic Syndromes, Hereditary. Identifiers: Orphanet 140162, MedGen C0027672, MeSH D009386, MONDO:0015356.

Allele frequency attached by ClinVar (database versions not stated): gnomAD exomes below 0.00001.
gnomAD v4.1: 1 of 1,614,032 alleles (0.000062%); highest among the groups gnomAD compares: Non-Finnish European, 0.000085%; no homozygotes.

Submissions (2):

Ambry Genetics
Classification: Uncertain significance for Hereditary cancer-predisposing syndrome. Last evaluated: 2025-12-18. Review status: criteria provided, single submitter. Criteria: Ambry Variant Classification Scheme 2023. Collection method: clinical testing. Allele origin: germline.
Comment: The p.A468T variant (also known as c.1402G>A), located in coding exon 9 of the MSH3 gene, results from a G to A substitution at nucleotide position 1402. The alanine at codon 468 is replaced by threonine, an amino acid with similar properties. This amino acid position is highly conserved in available vertebrate species. In addition, the in silico prediction for this alteration is inconclusive. Based on the available evidence, the clinical significance of this variant remains unclear.

Labcorp Genetics (formerly Invitae), Labcorp
Classification: Uncertain significance. Last evaluated: 2024-07-30. Review status: criteria provided, single submitter. Criteria: Invitae Variant Classification Sherloc (09022015). Collection method: clinical testing. Allele origin: germline.
Comment: This sequence change replaces alanine, which is neutral and non-polar, with threonine, which is neutral and polar, at codon 468 of the MSH3 protein (p.Ala468Thr). This variant is not present in population databases (gnomAD no frequency). This variant has not been reported in the literature in individuals affected with MSH3-related conditions. ClinVar contains an entry for this variant (Variation ID: 1771844). An algorithm developed to predict the effect of missense changes on protein structure and function (PolyPhen-2) suggests that this variant is likely to be disruptive. In summary, the available evidence is currently insufficient to determine the role of this variant in disease. Therefore, it has been classified as a Variant of Uncertain Significance.